The following is an entry in ClinVar:

ClinVar aggregate classification (germline): Uncertain significance (1 of 4 stars; one submission).

Conditions:
ATP1A2-related disorder. Also called: ATP1A2-related condition; ATP1A2-RELATED DISORDERS.

Submission:

PreventionGenetics, part of Exact Sciences
Classification: Uncertain significance for ATP1A2-related condition. Last evaluated: 2026-07-30. Review status: criteria provided, single submitter. Criteria: ACMG Guidelines, 2015. Collection method: clinical testing. Allele origin: germline.
Comment: The ATP1A2 c.546A>C variant is predicted to result in the amino acid substitution p.Glu182Asp. To our knowledge, this variant has not been reported in the literature or in a large population database (gnomAD), indicating this variant is rare. At this time, the clinical significance of this variant is uncertain due to the absence of conclusive functional and genetic evidence.

NM_000702.4(ATP1A2):c.546A>C (p.Glu182Asp)

Genes: ATP1A2 (ATPase Na+/K+ transporting subunit alpha 2; plus strand), LOC126805890 (CDK7 strongly-dependent group 2 enhancer GRCh37_chr1:160093987-160095186; plus strand). Cytogenetic location: 1q23.2.
Variant type: single nucleotide variant.
Coding change: c.546A>C on transcript NM_000702.4 (MANE Select); coding-DNA position 546, A replaced by C.
Protein change: p.Glu182Asp; replaces glutamic acid 182 with aspartic acid.
Molecular consequence: missense variant.
Genome position (GRCh38, 1-based): chr1:160,124,346, A>C. VCF-style: chr1-160124346-A-C. GRCh37 (hg19) VCF-style: chr1-160094136-A-C.
Other names: short protein forms E182D.
Identifiers: ClinVar variation 4996676 (VCV004996676.1).
Genomic context (GRCh38, chr1:160,124,346, plus strand): 5'-CTCCCCACAGCAAGCCCTTGTGATCCGGGAGGGAGAGAAGATGCAGATCAACGCAGAGGA[A>C]GTGGTGGTGGGAGACCTGGTGGAGGTGAAGGGTGGAGACCGCGTCCCTGCTGACCTCCGG-3'
Protein context (NP_000693.1, residues 172-192): EGEKMQINAE[Glu182Asp]VVVGDLVEVK